The following is an entry in ClinVar:

ClinVar aggregate classification (germline): Likely benign. Review status: criteria provided, multiple submitters, no conflicts (2 of 4 stars). 3 submissions from 3 submitters: Likely benign (3). Last evaluated 2025-09-08.

Allele frequency attached by ClinVar (database versions not stated): gnomAD exomes below 0.00001 and 0.00001; ExAC 0.00001; gnomAD 0.00001.
gnomAD v4.1: 8 of 1,608,556 alleles (0.0005%); highest among the groups gnomAD compares: East Asian, 0.0045%; no homozygotes.

Submissions (3):

Labcorp Genetics (formerly Invitae), Labcorp
Classification: Likely benign. Last evaluated: 2025-09-08. Review status: criteria provided, single submitter. Criteria: Invitae Variant Classification Sherloc (09022015). Collection method: clinical testing. Allele origin: germline.

Blueprint Genetics
Classification: Likely benign. Last evaluated: 2024-11-18. Review status: criteria provided, single submitter. Criteria: ACMG Guidelines, 2015. Collection method: clinical testing. Allele origin: germline.

CeGaT Center for Human Genetics Tuebingen
Classification: Likely benign. Last evaluated: 2022-04-01. Review status: criteria provided, single submitter. Criteria: CeGaT Center For Human Genetics Tuebingen Variant Classification Criteria Version 2. Collection method: clinical testing. Allele origin: germline. Affected: yes. Observed: 1 variant allele.
Comment: ARID1B: BP4, BP7

NM_001374828.1(ARID1B):c.5148C>T (p.Thr1716=)

Gene: ARID1B (AT-rich interaction domain 1B; plus strand). Cytogenetic location: 6q25.3.
Variant type: single nucleotide variant.
Coding change: c.5148C>T on transcript NM_001374828.1 (MANE Select); coding-DNA position 5148, C replaced by T.
Protein change: p.Thr1716=; no amino-acid change (threonine 1716 retained).
Molecular consequence: synonymous variant.
Genome position (GRCh38, 1-based): chr6:157,201,373, C>T. VCF-style: chr6-157201373-C-T. GRCh37 (hg19) VCF-style: chr6-157522507-C-T.
Other names: c.4899C>T, p.Thr1633= (NM_001346813.1); c.2649C>T, p.Thr883= (NM_001363725.2); c.5028C>T, p.Thr1676= (NM_001371656.1, NM_001374820.1); c.4989C>T, p.Thr1663= (NM_017519.3); c.4779C>T, p.Thr1593= (NM_020732.3); c.4566C>T, p.Thr1522= (NM_175863.2).
Identifiers: ClinVar variation 1695172 (VCV001695172.33), dbSNP rs745670548, ClinGen allele CA4067767.